The following is an entry in ClinVar:

ClinVar aggregate classification (germline): Uncertain significance (1 of 4 stars; one submission).

Conditions:
Mosaic variegated aneuploidy syndrome 2 (MVA2). Identifiers: Orphanet 1052, MedGen C3279843, MONDO:0013582, OMIM 614114.

Submission:

Labcorp Genetics (formerly Invitae), Labcorp
Classification: Uncertain significance for Mosaic variegated aneuploidy syndrome 2. Last evaluated: 2024-02-17. Review status: criteria provided, single submitter. Criteria: Invitae Variant Classification Sherloc (09022015). Collection method: clinical testing. Allele origin: germline.
Comment: This sequence change replaces alanine, which is neutral and non-polar, with valine, which is neutral and non-polar, at codon 256 of the CEP57 protein (p.Ala256Val). This variant is not present in population databases (gnomAD no frequency). This variant has not been reported in the literature in individuals affected with CEP57-related conditions. ClinVar contains an entry for this variant (Variation ID: 1414969). Algorithms developed to predict the effect of missense changes on protein structure and function output the following: SIFT: "Not Available"; PolyPhen-2: "Benign"; Align-GVGD: "Not Available". The valine amino acid residue is found in multiple mammalian species, which suggests that this missense change does not adversely affect protein function. In summary, the available evidence is currently insufficient to determine the role of this variant in disease. Therefore, it has been classified as a Variant of Uncertain Significance.

NM_014679.5(CEP57):c.767C>T (p.Ala256Val)

Gene: CEP57 (centrosomal protein 57; plus strand). Cytogenetic location: 11q21.
Variant type: single nucleotide variant.
Coding change: c.767C>T on transcript NM_014679.5 (MANE Select); coding-DNA position 767, C replaced by T.
Protein change: p.Ala256Val; replaces alanine 256 with valine.
Molecular consequence: missense variant.
Genome position (GRCh38, 1-based): chr11:95,821,938, C>T. VCF-style: chr11-95821938-C-T. GRCh37 (hg19) VCF-style: chr11-95555102-C-T.
Other names: c.740C>T, p.Ala247Val (NM_001243776.2); c.767C>T, p.Ala256Val (NM_001243777.2); c.686C>T, p.Ala229Val (NM_001363604.2); short protein forms A229V, A247V, A256V.
Identifiers: ClinVar variation 1414969 (VCV001414969.6), dbSNP rs2135352101, ClinGen allele CA382405261.